The following is an entry in ClinVar:

NM_006073.4(TRDN):c.794-183T>C

Gene: TRDN (triadin; minus strand). Cytogenetic location: 6q22.31.
Variant type: single nucleotide variant.
Coding change: c.794-183T>C on transcript NM_006073.4 (MANE Select); 183 bases into the intron before coding-DNA position 794, T replaced by C.
Molecular consequence: intron variant.
Genome position (GRCh38, 1-based): chr6:123,497,435, A>G on the plus strand (T>C on the coding strand, the complement: TRDN is on the minus strand). VCF-style: chr6-123497435-A-G. GRCh37 (hg19) VCF-style: chr6-123818580-A-G.
Other names: c.794-183T>C (NM_001251987.2); c.793+6284T>C (NM_001256020.2).
Identifiers: ClinVar variation 674793 (VCV000674793.1), dbSNP rs9375256, ClinGen allele CA12447956.

ClinVar aggregate classification (germline): Benign (1 of 4 stars; one submission).

Allele frequency attached by ClinVar (database versions not stated): 1000 Genomes Project 30x 0.82245; TOPMed 0.82472; 1000 Genomes Project 0.82628; gnomAD 0.82842 and 0.82999.
gnomAD v4.1: 126,310 of 152,090 alleles (83%); highest among the groups gnomAD compares: East Asian, 88%; 52,655 homozygotes.

Submission:

GeneDx
Classification: Benign. Last evaluated: 2018-06-14. Review status: criteria provided, single submitter. Criteria: GeneDx Variant Classification (06012015). Collection method: clinical testing. Allele origin: germline. Affected: yes.
Comment: This variant is considered likely benign or benign based on one or more of the following criteria: it is a conservative change, it occurs at a poorly conserved position in the protein, it is predicted to be benign by multiple in silico algorithms, and/or has population frequency not consistent with disease.